The following is an entry in ClinVar:

ClinVar aggregate classification (germline): Uncertain significance. Review status: criteria provided, multiple submitters, no conflicts (2 of 4 stars). 3 submissions from 3 submitters: Uncertain significance (3). Last evaluated 2025-06-26.

Conditions:
Familial thoracic aortic aneurysm and aortic dissection (TAAD). Also called: Thoracic aortic aneurysms and dissections. Identifiers: Orphanet 91387, MedGen C4707243, MONDO:0019625.
Aortic aneurysm, familial thoracic 4 (AAT4). Also called: AORTIC ANEURYSM/AORTIC DISSECTION AND PATENT DUCTUS ARTERIOSUS. Identifiers: MedGen C1851504, MONDO:0007568, OMIM 132900.

Submissions (3):

Color Diagnostics, LLC DBA Color Health
Classification: Uncertain significance for Familial thoracic aortic aneurysm and aortic dissection. Last evaluated: 2025-06-26. Review status: criteria provided, single submitter. Criteria: ACMG Guidelines, 2015. Collection method: clinical testing. Allele origin: germline.
Comment: This variant causes an in-frame deletion of one amino acid at exon 25 of the MYH11 protein. To our knowledge, functional studies have not been reported for this variant. This variant has not been reported in individuals affected with MYH11-related disorders in the literature. This variant has not been identified in the general population by the Genome Aggregation Database (gnomAD). The available evidence is insufficient to determine the role of this variant in disease conclusively. Therefore, this variant is classified as a Variant of Uncertain Significance.

Labcorp Genetics (formerly Invitae), Labcorp
Classification: Uncertain significance for Aortic aneurysm, familial thoracic 4. Last evaluated: 2025-04-26. Review status: criteria provided, single submitter. Criteria: Invitae Variant Classification Sherloc (09022015). Collection method: clinical testing. Allele origin: germline.
Comment: This variant, c.3037_3039del, results in the deletion of 1 amino acid(s) of the MYH11 protein (p.Glu1013del), but otherwise preserves the integrity of the reading frame. This variant is not present in population databases (gnomAD no frequency). This variant has not been reported in the literature in individuals affected with MYH11-related conditions. Experimental studies and prediction algorithms are not available or were not evaluated, and the functional significance of this variant is currently unknown. In summary, the available evidence is currently insufficient to determine the role of this variant in disease. Therefore, it has been classified as a Variant of Uncertain Significance.

Department of Human Genetics, Hannover Medical School
Classification: Uncertain significance for Aortic aneurysm, familial thoracic 4. Last evaluated: 2025-01-17. Review status: criteria provided, single submitter. Criteria: ACMG Guidelines, 2015. Collection method: clinical testing. Allele origin: germline. Affected: yes.
Comment: ACMG: PM2_Supporting, PM4

NM_002474.3(MYH11):c.3013GAG[1] (p.Glu1006del)

Gene: MYH11 (myosin heavy chain 11; minus strand). Cytogenetic location: 16p13.11.
Variant type: Microsatellite.
Coding change: c.3013GAG[1] on transcript NM_002474.3 (MANE Select); one copy of the 3-base unit GAG starting at c.3013; the reference has two copies in a row; one copy, 3 bases deleted.
Protein change: p.Glu1006del; deletes glutamic acid 1006.
Genome position (GRCh38, 1-based): chr16:15,738,668-15,738,670, CTC deleted on the plus strand (GAG on the coding strand, the reverse complement: MYH11 is on the minus strand); deleting any 3 consecutive bases within chr16:15,738,668-15,738,673 gives the same sequence; the position shown is the placement nearest the transcript's 3' end. VCF-style (leftmost placement, unchanged base first): chr16-15738667-TCTC-T. GRCh37 (hg19) VCF-style: chr16-15832524-TCTC-T.
Other names: c.3037_3039del (NM_001040113.2); c.3034GAG[1], p.Glu1013del (NM_001040113.2, NM_001040114.2); c.3013GAG[1], p.Glu1006del (NM_022844.3); short protein forms E1006del, E1013del.
Identifiers: ClinVar variation 3572933 (VCV003572933.2).